The following is an entry in ClinVar:

NM_001012720.2(RGR):c.832del (p.Gln278fs)

Gene: RGR (retinal G protein coupled receptor; plus strand). Cytogenetic location: 10q23.1.
Variant type: Deletion.
Coding change: c.832del on transcript NM_001012720.2 (MANE Select); coding-DNA position 832, one base deleted (C; older notation c.832delC).
Protein change: p.Gln278fs; shifts the reading frame from glutamine 278.
Molecular consequence: frameshift variant.
Genome position (GRCh38, 1-based): chr10:84,258,595, C deleted. VCF-style (leftmost placement, unchanged base first): chr10-84258594-GC-G. GRCh37 (hg19) VCF-style: chr10-86018350-GC-G.
Other names: c.718del, p.Gln240fs (NM_001012722.2); c.844del, p.Gln282fs (NM_002921.4); short protein forms Q240fs, Q278fs, Q282fs.
Identifiers: ClinVar variation 3775401 (VCV003775401.2).

ClinVar aggregate classification (germline): Uncertain significance. Review status: criteria provided, multiple submitters, no conflicts (2 of 4 stars). 2 submissions from 2 submitters: Uncertain significance (2). Last evaluated 2025-11-01.

Conditions:
Retinitis pigmentosa 44 (RP44). Identifiers: Orphanet 791, MedGen C3151068, MONDO:0013414, OMIM 613769.

Submissions (2):

Labcorp Genetics (formerly Invitae), Labcorp
Classification: Uncertain significance. Last evaluated: 2025-11-01. Review status: criteria provided, single submitter. Criteria: Invitae Variant Classification Sherloc (09022015). Collection method: clinical testing. Allele origin: germline.
Comment: This sequence change is expected to alter the c-terminus of the RGR protein (p.Gln278Serfs*21). While this is not anticipated to result in nonsense mediated decay, it is expected to disrupt the last 14 amino acid(s) of the RGR protein and extend the protein by 6 additional amino acid residues. This variant is not present in population databases (gnomAD no frequency). This variant has not been reported in the literature in individuals affected with RGR-related conditions. ClinVar contains an entry for this variant (Variation ID: 3775401). Experimental studies and prediction algorithms are not available or were not evaluated, and the functional significance of this variant is currently unknown. In summary, the available evidence is currently insufficient to determine the role of this variant in disease. Therefore, it has been classified as a Variant of Uncertain Significance.

3billion
Classification: Uncertain significance for Retinitis pigmentosa 44. Last evaluated: 2023-11-21. Review status: criteria provided, single submitter. Criteria: ACMG Guidelines, 2015. Collection method: clinical testing. Allele origin: germline. Affected: yes.
Comment: The variant is not observed in the gnomAD v2.1.1 dataset. Predicted Consequence/Location: Frameshift: predicted to result in a loss or disruption of normal protein function through protein truncation. The predicted truncated protein may be shortened by less than 10%. None. Therefore, this variant is classified as VUS according to the recommendation of ACMG/AMP guideline.